The following is an entry in ClinVar:

NM_000023.4(SGCA):c.-31T>C

Gene: SGCA (sarcoglycan alpha; plus strand). Cytogenetic location: 17q21.33.
Variant type: single nucleotide variant.
Coding change: c.-31T>C on transcript NM_000023.4 (MANE Select); 31 bases upstream of the start codon, T replaced by C.
Molecular consequence: 5 prime UTR variant. On other transcripts: non-coding transcript variant (1).
Genome position (GRCh38, 1-based): chr17:50,166,010, T>C. VCF-style: chr17-50166010-T-C. GRCh37 (hg19) VCF-style: chr17-48243371-T-C.
Other names: c.-31T>C (NM_001135697.3).
Identifiers: ClinVar variation 324037 (VCV000324037.5), dbSNP rs199527818, ClinGen allele CA8643627.
Genomic context (GRCh38, chr17:50,166,010, plus strand): 5'-ACCCAGCTGCCCCGAGCCACCTCCCTCCTTCCCTCCTCTCCTCCCTGCCCCCTGTCTCTG[T>C]CACTCACCGGGCGGGCCAGGCCGGGCAGCCATGGCTGAGACACTCTTCTGGACTCCTCTC-3'

ClinVar aggregate classification (germline): Conflicting classifications of pathogenicity. Review status: criteria provided, conflicting classifications (1 of 4 stars). 2 submissions from 2 submitters: Uncertain significance (1); Likely benign (1). Last evaluated 2018-01-13.

Conditions:
Sarcoglycanopathy. Identifiers: Orphanet 207052, MedGen C2936331, MONDO:0016140.

Allele frequency attached by ClinVar (database versions not stated): 1000 Genomes Project 0.00020; TOPMed 0.00020; gnomAD 0.00023 and 0.00026; gnomAD exomes 0.00029 and 0.00054; 1000 Genomes Project 30x 0.00031; ExAC 0.00037; ESP Exome Variant Server 0.00038.
gnomAD v4.1: 805 of 1,604,190 alleles (0.05%); highest among the groups gnomAD compares: Non-Finnish European, 0.066%; 1 homozygote.

Submissions (2):

Illumina Laboratory Services, Illumina
Classification: Uncertain significance for Sarcoglycanopathy. Last evaluated: 2018-01-13. Review status: criteria provided, single submitter. Criteria: ICSL Variant Classification Criteria 13 December 2019. Collection method: clinical testing. Allele origin: germline.

GeneDx
Classification: Likely benign. Last evaluated: 2016-09-06. Review status: criteria provided, single submitter. Criteria: GeneDx Variant Classification (06012015). Collection method: clinical testing. Allele origin: germline. Affected: yes.
Comment: This variant is considered likely benign or benign based on one or more of the following criteria: it is a conservative change, it occurs at a poorly conserved position in the protein, it is predicted to be benign by multiple in silico algorithms, and/or has population frequency not consistent with disease.